The following is an entry in ClinVar:

ClinVar aggregate classification (germline): Uncertain significance (1 of 4 stars; one submission).

Conditions:
Intellectual developmental disorder, X-linked 106. Also called: Mental retardation, X-linked 106; Intellectual disability, X-linked 106. Identifiers: MedGen C4478379, MONDO:0030907, OMIM 300997.

Submission:

Institute of Human Genetics, University of Leipzig Medical Center
Classification: Uncertain significance for Intellectual developmental disorder, X-linked 106. Last evaluated: 2024-10-09. Review status: criteria provided, single submitter. Criteria: ACMG Guidelines, 2015. Collection method: clinical testing. Allele origin: maternal. Inheritance: X-linked recessive inheritance. Affected: yes.
Comment: Criteria applied: PM2,PP2

NM_181672.3(OGT):c.1426G>T (p.Val476Phe)

Gene: OGT (O-linked N-acetylglucosamine (GlcNAc) transferase; plus strand). Cytogenetic location: Xq13.1.
Variant type: single nucleotide variant.
Coding change: c.1426G>T on transcript NM_181672.3 (MANE Select); coding-DNA position 1426, G replaced by T.
Protein change: p.Val476Phe; replaces valine 476 with phenylalanine.
Molecular consequence: missense variant.
Genome position (GRCh38, 1-based): chrX:71,557,496, G>T. VCF-style: chrX-71557496-G-T. GRCh37 (hg19) VCF-style: chrX-70777346-G-T.
Other names: c.1396G>T, p.Val466Phe (NM_181673.3); short protein forms V466F, V476F.
Identifiers: ClinVar variation 3376157 (VCV003376157.4).